The following is an entry in ClinVar:

NM_005121.3(MED13):c.66+8C>T

Genes: MED13 (mediator complex subunit 13; minus strand), LOC130061364 (ATAC-STARR-seq lymphoblastoid silent region 8803; plus strand). Cytogenetic location: 17q23.2.
Variant type: single nucleotide variant.
Coding change: c.66+8C>T on transcript NM_005121.3 (MANE Select); 8 bases into the intron after coding-DNA position 66, C replaced by T.
Molecular consequence: intron variant.
Genome position (GRCh38, 1-based): chr17:62,065,132, G>A on the plus strand (C>T on the coding strand, the complement: MED13 is on the minus strand). VCF-style: chr17-62065132-G-A. GRCh37 (hg19) VCF-style: chr17-60142493-G-A.
Identifiers: ClinVar variation 5040132 (VCV005040132.1).

ClinVar aggregate classification (germline): Likely benign (1 of 4 stars; one submission).

gnomAD v4.1: 18 of 1,556,480 alleles (0.0012%); highest among the groups gnomAD compares: Non-Finnish European, 0.0015%; no homozygotes.

Submission:

CeGaT Center for Human Genetics Tuebingen
Classification: Likely benign. Last evaluated: 2026-07-01. Review status: criteria provided, single submitter. Criteria: CeGaT Center For Human Genetics Tuebingen Variant Classification Criteria Version 2. Collection method: clinical testing. Allele origin: germline. Affected: yes. Observed: 1 variant allele.
Comment: MED13: BP4